The following is an entry in ClinVar:

ClinVar aggregate classification (germline): Uncertain significance. Review status: criteria provided, multiple submitters, no conflicts (2 of 4 stars). 2 submissions from 2 submitters: Uncertain significance (2). Last evaluated 2025-12-03.

Conditions:
Primary ciliary dyskinesia. Also called: Ciliary dyskinesia. Identifiers: Orphanet 244, MedGen C0008780, MONDO:0016575, HP:0012265.

Allele frequency attached by ClinVar (database versions not stated): gnomAD exomes 0.00002 and 0.00004; gnomAD 0.00003; TOPMed 0.00003; ExAC 0.00005; ESP Exome Variant Server 0.00008.
gnomAD v4.1: 29 of 1,614,028 alleles (0.0018%); highest among the groups gnomAD compares: Admixed American, 0.0083%; no homozygotes.

Submissions (2):

Ambry Genetics
Classification: Uncertain significance. Last evaluated: 2025-12-03. Review status: criteria provided, single submitter. Criteria: Ambry Variant Classification Scheme 2023. Collection method: clinical testing. Allele origin: germline.

Labcorp Genetics (formerly Invitae), Labcorp
Classification: Uncertain significance for Primary ciliary dyskinesia. Last evaluated: 2021-08-28. Review status: criteria provided, single submitter. Criteria: Invitae Variant Classification Sherloc (09022015). Collection method: clinical testing. Allele origin: germline.
Comment: This sequence change replaces methionine with threonine at codon 399 of the DNAH8 protein (p.Met399Thr). The methionine residue is moderately conserved and there is a moderate physicochemical difference between methionine and threonine. This variant is present in population databases (rs374073806, ExAC 0.009%). This variant has not been reported in the literature in individuals affected with DNAH8-related conditions. Algorithms developed to predict the effect of missense changes on protein structure and function are either unavailable or do not agree on the potential impact of this missense change (SIFT: "Deleterious"; PolyPhen-2: "Not Available"; Align-GVGD: "Class C0"). In summary, the available evidence is currently insufficient to determine the role of this variant in disease. Therefore, it has been classified as a Variant of Uncertain Significance.

NM_001206927.2(DNAH8):c.1196T>C (p.Met399Thr)

Gene: DNAH8 (dynein axonemal heavy chain 8; plus strand). Cytogenetic location: 6p21.2.
Variant type: single nucleotide variant.
Coding change: c.1196T>C on transcript NM_001206927.2 (MANE Select); coding-DNA position 1196, T replaced by C.
Protein change: p.Met399Thr; replaces methionine 399 with threonine.
Molecular consequence: missense variant.
Genome position (GRCh38, 1-based): chr6:38,741,790, T>C. VCF-style: chr6-38741790-T-C. GRCh37 (hg19) VCF-style: chr6-38709566-T-C.
Other names: c.545T>C, p.Met182Thr (NM_001371.4); short protein forms M399T, M182T.
Identifiers: ClinVar variation 580621 (VCV000580621.6), dbSNP rs374073806, ClinGen allele CA3788160.